The following is an entry in ClinVar:

NM_000057.4(BLM):c.2343G>C (p.Glu781Asp)

Gene: BLM (BLM RecQ like helicase; plus strand). Cytogenetic location: 15q26.1.
Variant type: single nucleotide variant.
Coding change: c.2343G>C on transcript NM_000057.4 (MANE Select); coding-DNA position 2343, G replaced by C.
Protein change: p.Glu781Asp; replaces glutamic acid 781 with aspartic acid.
Molecular consequence: missense variant.
Genome position (GRCh38, 1-based): chr15:90,769,168, G>C. VCF-style: chr15-90769168-G-C. GRCh37 (hg19) VCF-style: chr15-91312398-G-C.
Other names: c.2343G>C, p.Glu781Asp (NM_001287246.2, NM_001287247.2); c.1218G>C, p.Glu406Asp (NM_001287248.2); short protein forms E781D, E406D.
Identifiers: ClinVar variation 3261063 (VCV003261063.3).
Genomic context (GRCh38, chr15:90,769,168, plus strand): 5'-CATGTCTAATGTATTTCTGGCCTAGATCTGTGCAAGTAACAGACTCATTTCTACTCTGGA[G>C]AATCTCTATGAGAGGAAGCTCTTGGCACGTTTTGTTATTGATGAAGCACATTGTGTCAGT-3'
Protein context (NP_000048.1, residues 771-791): CASNRLISTL[Glu781Asp]NLYERKLLAR

ClinVar aggregate classification (germline): Uncertain significance. Review status: criteria provided, multiple submitters, no conflicts (2 of 4 stars). 2 submissions from 2 submitters: Uncertain significance (2). Last evaluated 2024-11-13.

Conditions:
Hereditary cancer-predisposing syndrome. Also called: Hereditary Cancer Syndrome; Tumor predisposition; Hereditary neoplastic syndrome; Neoplastic Syndromes, Hereditary. Identifiers: Orphanet 140162, MedGen C0027672, MeSH D009386, MONDO:0015356.
Bloom syndrome (BLM). Also called: Bloom-Torre-Machacek syndrome. Identifiers: Orphanet 125, MedGen C0005859, MONDO:0008876, OMIM 210900.

gnomAD v4.1: 1 of 1,613,810 alleles (0.000062%); highest among the groups gnomAD compares: Non-Finnish European, 0.000085%; no homozygotes.

Submissions (2):

Labcorp Genetics (formerly Invitae), Labcorp
Classification: Uncertain significance for Bloom syndrome. Last evaluated: 2024-11-13. Review status: criteria provided, single submitter. Criteria: Invitae Variant Classification Sherloc (09022015). Collection method: clinical testing. Allele origin: germline.
Comment: This sequence change replaces glutamic acid, which is acidic and polar, with aspartic acid, which is acidic and polar, at codon 781 of the BLM protein (p.Glu781Asp). This variant is not present in population databases (gnomAD no frequency). This variant has not been reported in the literature in individuals affected with BLM-related conditions. Invitae Evidence Modeling of protein sequence and biophysical properties (such as structural, functional, and spatial information, amino acid conservation, physicochemical variation, residue mobility, and thermodynamic stability) indicates that this missense variant is not expected to disrupt BLM protein function with a negative predictive value of 80%. In summary, the available evidence is currently insufficient to determine the role of this variant in disease. Therefore, it has been classified as a Variant of Uncertain Significance.

Ambry Genetics
Classification: Uncertain significance for Hereditary cancer-predisposing syndrome. Last evaluated: 2024-03-15. Review status: criteria provided, single submitter. Criteria: Ambry Variant Classification Scheme 2023. Collection method: clinical testing. Allele origin: germline.